The following is an entry in ClinVar:

Conditions:
Long QT syndrome 5 (LQT5). Identifiers: Orphanet 101016, Orphanet 768, MedGen C1867904, MONDO:0013372, OMIM 613695.

Submission:

Roden Lab, Vanderbilt University Medical Center
No classification provided (evidence only). Condition: Long QT syndrome 5. Review status: no classification provided. Collection method: in vitro. Allele origin: not applicable. Functional consequence: Effect on ion channel function.
ClinVar note: "not provided" was previously submitted as the classification for the variant. However, the classification appeared to be based only on an observation of functional data so it was converted to no classification on 2025-07-30.

NM_000219.6(KCNE1):c.166T>G (p.Phe56Val)

Gene: KCNE1 (potassium voltage-gated channel subfamily E regulatory subunit 1; minus strand). Cytogenetic location: 21q22.12.
Variant type: single nucleotide variant.
Coding change: c.166T>G on transcript NM_000219.6 (MANE Select); coding-DNA position 166, T replaced by G.
Protein change: p.Phe56Val; replaces phenylalanine 56 with valine.
Molecular consequence: missense variant.
Genome position (GRCh38, 1-based): chr21:34,449,469, A>C on the plus strand (T>G on the coding strand, the complement: KCNE1 is on the minus strand). VCF-style: chr21-34449469-A-C. GRCh37 (hg19) VCF-style: chr21-35821767-A-C.
Other names: c.166T>G, p.Phe56Val (NM_001127668.4, NM_001127669.4, NM_001127670.4 and 4 more transcripts); short protein forms F56V.
Identifiers: ClinVar variation 3374222 (VCV003374222.2).